The following is an entry in ClinVar:

NM_181523.3(PIK3R1):c.648C>T (p.Ser216=)

Gene: PIK3R1 (phosphoinositide-3-kinase regulatory subunit 1; plus strand). Cytogenetic location: 5q13.1.
Variant type: single nucleotide variant.
Coding change: c.648C>T on transcript NM_181523.3 (MANE Select); coding-DNA position 648, C replaced by T.
Protein change: p.Ser216=; no amino-acid change (serine 216 retained).
Molecular consequence: synonymous variant.
Genome position (GRCh38, 1-based): chr5:68,280,541, C>T. VCF-style: chr5-68280541-C-T. GRCh37 (hg19) VCF-style: chr5-67576369-C-T.
Identifiers: ClinVar variation 766543 (VCV000766543.13), dbSNP rs575150982, ClinGen allele CA3290117.

ClinVar aggregate classification (germline): Likely benign. Review status: criteria provided, single submitter (1 of 4 stars). 2 submissions from 2 submitters: Likely benign (1). 1 of the submissions does not count toward it. Last evaluated 2025-05-01.

Conditions:
PIK3R1-related disorder. Also called: PIK3R1-related condition.
Agammaglobulinemia 7, autosomal recessive (AGM7). Also called: AGAMMAGLOBULINEMIA, AUTOSOMAL RECESSIVE, DUE TO PIK3R1 DEFECT. Identifiers: MedGen C3554689, MONDO:0014083, OMIM 615214.
SHORT syndrome. Also called: LIPODYSTROPHY, PARTIAL, WITH RIEGER ANOMALY AND SHORT STATURE; SHORT STATURE, HYPEREXTENSIBILITY, HERNIA, OCULAR DEPRESSION, RIEGER ANOMALY, AND TEETHING DELAY; PIK3R1-Related SHORT Syndrome. Identifiers: Orphanet 3163, MedGen C0878684, MONDO:0010026, OMIM 269880.
Immunodeficiency 36 with lymphoproliferation. Also called: Activated PI3K Delta Syndrome Type 2 (APDS2); Immunodeficiency 36; ACTIVATED PI3K-DELTA SYNDROME 2. Identifiers: Orphanet 397596, Orphanet 693681, MedGen C4014934, MONDO:0014453, OMIM 616005.

Allele frequency attached by ClinVar (database versions not stated): ExAC 0.00002.
gnomAD v4.1: 37 of 1,607,956 alleles (0.0023%); highest among the groups gnomAD compares: African/African-American, 0.0067%; no homozygotes.

Submissions (2):

Labcorp Genetics (formerly Invitae), Labcorp
Classification: Likely benign for SHORT syndrome; Immunodeficiency 36 with lymphoproliferation; Agammaglobulinemia 7, autosomal recessive. Last evaluated: 2025-05-01. Review status: criteria provided, single submitter. Criteria: Invitae Variant Classification Sherloc (09022015). Collection method: clinical testing. Allele origin: germline.

PreventionGenetics, part of Exact Sciences
Classification: Likely benign for PIK3R1-related condition. Last evaluated: 2023-09-16. Review status: no assertion criteria provided. Collection method: clinical testing. Allele origin: germline. Not counted in ClinVar's aggregate classification.
Comment: This variant is classified as likely benign based on ACMG/AMP sequence variant interpretation guidelines (Richards et al. 2015 PMID: 25741868, with internal and published modifications).